The following is an entry in ClinVar:

ClinVar aggregate classification (germline): Uncertain significance. Review status: criteria provided, multiple submitters, no conflicts (2 of 4 stars). 2 submissions from 2 submitters: Uncertain significance (2). Last evaluated 2025-05-20.

Conditions:
Inborn genetic diseases. Identifiers: MedGen C0950123, MeSH D030342.

Allele frequency attached by ClinVar (database versions not stated): gnomAD 0.00001; ExAC 0.00003.

Submissions (2):

Labcorp Genetics (formerly Invitae), Labcorp
Classification: Uncertain significance. Last evaluated: 2025-05-20. Review status: criteria provided, single submitter. Criteria: Invitae Variant Classification Sherloc (09022015). Collection method: clinical testing. Allele origin: germline.
Comment: This sequence change replaces arginine, which is basic and polar, with glutamine, which is neutral and polar, at codon 525 of the TCF3 protein (p.Arg525Gln). This variant is present in population databases (rs756415908, gnomAD 0.003%). This variant has not been reported in the literature in individuals affected with TCF3-related conditions. ClinVar contains an entry for this variant (Variation ID: 2150374). Invitae Evidence Modeling of protein sequence and biophysical properties (such as structural, functional, and spatial information, amino acid conservation, physicochemical variation, residue mobility, and thermodynamic stability) indicates that this missense variant is not expected to disrupt TCF3 protein function with a negative predictive value of 80%. In summary, the available evidence is currently insufficient to determine the role of this variant in disease. Therefore, it has been classified as a Variant of Uncertain Significance.

Ambry Genetics
Classification: Uncertain significance for Inborn genetic diseases. Last evaluated: 2025-01-08. Review status: criteria provided, single submitter. Criteria: Ambry Variant Classification Scheme 2023. Collection method: clinical testing. Allele origin: germline.

NM_003200.5(TCF3):c.1574G>A (p.Arg525Gln)

Gene: TCF3 (transcription factor 3; minus strand). Cytogenetic location: 19p13.3.
Variant type: single nucleotide variant.
Coding change: c.1574G>A on transcript NM_003200.5 (MANE Select); coding-DNA position 1574, G replaced by A.
Protein change: p.Arg525Gln; replaces arginine 525 with glutamine.
Molecular consequence: missense variant.
Genome position (GRCh38, 1-based): chr19:1,615,698, C>T on the plus strand (G>A on the coding strand, the complement: TCF3 is on the minus strand). VCF-style: chr19-1615698-C-T. GRCh37 (hg19) VCF-style: chr19-1615697-C-T.
Other names: c.1574G>A (NM_003200.3); c.1574G>A, p.Arg525Gln (NM_001136139.4, NM_001351779.2); c.1571G>A, p.Arg524Gln (NM_001351778.2); short protein forms R524Q, R525Q.
Identifiers: ClinVar variation 2150374 (VCV002150374.5), dbSNP rs756415908, ClinGen allele CA9049759.